The following is an entry in ClinVar:

ClinVar aggregate classification (germline): Benign. Review status: criteria provided, multiple submitters, no conflicts (2 of 4 stars). 3 submissions from 3 submitters: Benign (3). Last evaluated 2026-02-04.

Conditions:
Cerebellar ataxia, impaired intellectual development, and dysequilibrium syndrome 1. Also called: Cerebellar hypoplasia and mental retardation with or without quadrupedal locomotion 1; Cerebellar ataxia, mental retardation, and dysequilibrium syndrome 1; Cerebellar ataxia, intellectual disability, and dysequilibrium syndrome 1; VLDLR Cerebellar Hypoplasia; CEREBELLAR ATAXIA AND MENTAL RETARDATION WITH OR WITHOUT QUADRUPEDAL LOCOMOTION 1; CEREBELLAR ATAXIA, CONGENITAL, AND MENTAL RETARDATION, AUTOSOMAL RECESSIVE. Identifiers: Orphanet 1766, MedGen C4551552, MONDO:0024542, OMIM 224050.

Allele frequency attached by ClinVar (database versions not stated): ExAC 0.00180; 1000 Genomes Project 30x 0.00515; gnomAD 0.00592 and 0.00648; ESP Exome Variant Server 0.00623; 1000 Genomes Project 0.00499; TOPMed 0.00675; gnomAD exomes 0.00152.
gnomAD v4.1: 1,809 of 1,607,748 alleles (0.11%); highest among the groups gnomAD compares: African/African-American, 2%; 17 homozygotes.

Submissions (3):

Labcorp Genetics (formerly Invitae), Labcorp
Classification: Benign. Last evaluated: 2026-02-04. Review status: criteria provided, single submitter. Criteria: Invitae Variant Classification Sherloc (09022015). Collection method: clinical testing. Allele origin: germline.

Illumina Laboratory Services, Illumina
Classification: Benign for Cerebellar ataxia, impaired intellectual development, and dysequilibrium syndrome 1. Last evaluated: 2018-01-12. Review status: criteria provided, single submitter. Criteria: ICSL Variant Classification Criteria 13 December 2019. Collection method: clinical testing. Allele origin: germline.
Comment: This variant was observed in the ICSL laboratory as part of a predisposition screen in an ostensibly healthy population. It had not been previously curated by ICSL or reported in the Human Gene Mutation Database (HGMD: prior to June 1st, 2018), and was therefore a candidate for classification through an automated scoring system. Utilizing variant allele frequency, disease prevalence and penetrance estimates, and inheritance mode, an automated score was calculated to assess if this variant is too frequent to cause the disease. Based on the score and internal cut-off values, a variant classified as benign is not then subjected to further curation. The score for this variant resulted in a classification of benign for this disease.

GeneDx
Classification: Benign. Last evaluated: 2015-03-03. Review status: criteria provided, single submitter. Criteria: GeneDx Variant Classification Process June 2021. Collection method: clinical testing. Allele origin: germline. Affected: yes.

NM_003383.5(VLDLR):c.449-12C>T

Gene: VLDLR (very low density lipoprotein receptor; plus strand). Cytogenetic location: 9p24.2.
Variant type: single nucleotide variant.
Coding change: c.449-12C>T on transcript NM_003383.5 (MANE Select); 12 bases into the intron before coding-DNA position 449, C replaced by T.
Molecular consequence: intron variant.
Genome position (GRCh38, 1-based): chr9:2,643,148, C>T. VCF-style: chr9-2643148-C-T. GRCh37 (hg19) VCF-style: chr9-2643148-C-T.
Other names: c.449-12C>T (NM_001018056.3); c.326-12C>T (NM_001322225.2, NM_001322226.2).
Identifiers: ClinVar variation 366360 (VCV000366360.15), dbSNP rs73640152, ClinGen allele CA4964550.